The following is an entry in ClinVar:

NM_031885.5(BBS2):c.1461del (p.Ser488fs)

Gene: BBS2 (Bardet-Biedl syndrome 2; minus strand). Cytogenetic location: 16q13.
Variant type: Deletion.
Coding change: c.1461del on transcript NM_031885.5 (MANE Select); coding-DNA position 1461, one base deleted (C; older notation c.1461delC).
Protein change: p.Ser488fs; shifts the reading frame from serine 488.
Molecular consequence: frameshift variant. On other transcripts: non-coding transcript variant (5).
Genome position (GRCh38, 1-based): chr16:56,499,844, G deleted on the plus strand (C on the coding strand, the reverse complement: BBS2 is on the minus strand); the first of 2 consecutive G bases (chr16:56,499,844-56,499,845); deleting either gives the same sequence. VCF-style (leftmost placement, unchanged base first): chr16-56499843-TG-T. GRCh37 (hg19) VCF-style: chr16-56533755-TG-T.
Other names: c.1461del, p.Ser488fs (NM_001377456.1); short protein forms S488fs.
Identifiers: ClinVar variation 1725707 (VCV001725707.2), dbSNP rs2543704416, ClinGen allele CA2580091654.

ClinVar aggregate classification (germline): Likely pathogenic (1 of 4 stars; one submission).

Conditions:
Bardet-Biedl syndrome 2 (BBS2). Identifiers: Orphanet 110, MedGen C2936863, MONDO:0014432, OMIM 615981.

Submission:

Myriad Genetics, Inc.
Classification: Likely pathogenic for Bardet-Biedl syndrome 2. Last evaluated: 2022-03-31. Review status: criteria provided, single submitter. Criteria: Myriad Women's Health Autosomal Recessive and X-Linked Classification Criteria (2021). Collection method: clinical testing. Allele origin: unknown.
Comment: NM_031885.3(BBS2):c.1461delC(S488Afs*59) is expected to be pathogenic in the context of Bardet-Biedl syndrome, BBS2-related. This variant is predicted to lead to an abnormal or absent protein product due to the creation of a premature termination codon in BBS2, a gene where loss-of-function variants are known to be pathogenic. Please note: this variant was assessed in the context of healthy population screening.